The following is an entry in ClinVar:

ClinVar aggregate classification (germline): Pathogenic (0 of 4 stars; one submission).

Conditions:
Cystic fibrosis (CF). Also called: MUCOVISCIDOSIS. Identifiers: Orphanet 586, MedGen C0010674, MONDO:0009061, OMIM 219700. Disease mechanism: loss of function.

Submission:

Unidad de Estudios Geneticos y Forenses, Instituto Venezolano de Investigaciones Cientificas
Classification: Pathogenic for Cystic fibrosis. Last evaluated: 2013-10-01. Review status: no assertion criteria provided. Collection method: research. Allele origin: unknown. Affected: yes. Observed: 1 variant allele. Study: CFTR variants in Venezuelan CF patients.
Comment: Identification of cystic fibrosis-causing mutations in the CFTR gene for use in screening of a Venezuelan population

NM_000492.4(CFTR):c.2443G>T (p.Glu815Ter)

Gene: CFTR (CF transmembrane conductance regulator; plus strand). Cytogenetic location: 7q31.2.
Variant type: single nucleotide variant.
Coding change: c.2443G>T on transcript NM_000492.4 (MANE Select); coding-DNA position 2443, G replaced by T.
Protein change: p.Glu815Ter; replaces glutamic acid 815 with a stop codon.
Molecular consequence: nonsense.
Genome position (GRCh38, 1-based): chr7:117,592,610, G>T. VCF-style: chr7-117592610-G-T. GRCh37 (hg19) VCF-style: chr7-117232664-G-T.
Other names: short protein forms E815*.
Identifiers: ClinVar variation 161999 (VCV000161999.2), dbSNP rs672601316, ClinGen allele CA273034.